The following is an entry in ClinVar:

ClinVar aggregate classification (germline): Uncertain significance (1 of 4 stars; one submission).

Conditions:
Hereditary spastic paraplegia 75. Also called: Spastic paraplegia 75, autosomal recessive. Identifiers: Orphanet 459056, MedGen C4225250, MONDO:0014729, OMIM 616680.

Allele frequency attached by ClinVar (database versions not stated): ExAC 0.00008; gnomAD 0.00015 and 0.00016; gnomAD exomes 0.00015; 1000 Genomes Project 0.00020; 1000 Genomes Project 30x 0.00031.
gnomAD v4.1: 119 of 1,613,786 alleles (0.0074%); highest among the groups gnomAD compares: Admixed American, 0.083%; no homozygotes.

Submission:

Labcorp Genetics (formerly Invitae), Labcorp
Classification: Uncertain significance for Hereditary spastic paraplegia 75. Last evaluated: 2023-12-06. Review status: criteria provided, single submitter. Criteria: Invitae Variant Classification Sherloc (09022015). Collection method: clinical testing. Allele origin: germline.
Comment: This sequence change replaces valine, which is neutral and non-polar, with leucine, which is neutral and non-polar, at codon 469 of the MAG protein (p.Val469Leu). This variant is present in population databases (rs200754835, gnomAD 0.08%). This variant has not been reported in the literature in individuals affected with MAG-related conditions. ClinVar contains an entry for this variant (Variation ID: 1483221). Advanced modeling of protein sequence and biophysical properties (such as structural, functional, and spatial information, amino acid conservation, physicochemical variation, residue mobility, and thermodynamic stability) performed at Invitae indicates that this missense variant is not expected to disrupt MAG protein function with a negative predictive value of 80%. In summary, the available evidence is currently insufficient to determine the role of this variant in disease. Therefore, it has been classified as a Variant of Uncertain Significance.

NM_002361.4(MAG):c.1405G>C (p.Val469Leu)

Gene: MAG (myelin associated glycoprotein; plus strand). Cytogenetic location: 19q13.12.
Variant type: single nucleotide variant.
Coding change: c.1405G>C on transcript NM_002361.4 (MANE Select); coding-DNA position 1405, G replaced by C.
Protein change: p.Val469Leu; replaces valine 469 with leucine.
Molecular consequence: missense variant.
Genome position (GRCh38, 1-based): chr19:35,310,047, G>C. VCF-style: chr19-35310047-G-C. GRCh37 (hg19) VCF-style: chr19-35800950-G-C.
Other names: c.1330G>C, p.Val444Leu (NM_001199216.2); c.1405G>C, p.Val469Leu (NM_080600.3); short protein forms V469L, V444L.
Identifiers: ClinVar variation 1483221 (VCV001483221.6), dbSNP rs200754835, ClinGen allele CA9376267.